The following is an entry in ClinVar:

NM_000222.3(KIT):c.1109A>G (p.Asn370Ser)

Gene: KIT (KIT proto-oncogene, receptor tyrosine kinase; plus strand). Cytogenetic location: 4q12.
Variant type: single nucleotide variant.
Coding change: c.1109A>G on transcript NM_000222.3 (MANE Select); coding-DNA position 1109, A replaced by G.
Protein change: p.Asn370Ser; replaces asparagine 370 with serine.
Molecular consequence: missense variant.
Genome position (GRCh38, 1-based): chr4:54,707,281, A>G. VCF-style: chr4-54707281-A-G. GRCh37 (hg19) VCF-style: chr4-55573447-A-G.
Other names: c.1109A>G, p.Asn370Ser (NM_001093772.2, NM_001385285.1, NM_001385286.1); c.1112A>G, p.Asn371Ser (NM_001385284.1, NM_001385288.1, NM_001385290.1 and 1 more transcripts); short protein forms N370S, N371S.
Identifiers: ClinVar variation 237233 (VCV000237233.13), dbSNP rs878853758, ClinGen allele CA10582257.
Genomic context (GRCh38, chr4:54,707,281, plus strand): 5'-ATATGAACAGAACCTTCACTGATAAATGGGAAGATTATCCCAAGTCTGAGAATGAAAGTA[A>G]TATCAGGTAAGAAATGGACCTTGCCCTGGGGGATTACACATTACCCCCTTTTCCAGTGGG-3'
Protein context (NP_000213.1, residues 360-380): EDYPKSENES[Asn370Ser]IRYVSELHLT

ClinVar aggregate classification (germline): Conflicting classifications of pathogenicity. Review status: criteria provided, conflicting classifications (1 of 4 stars). 4 submissions from 4 submitters: Uncertain significance (3); Likely benign (1). Last evaluated 2026-01-26.

Conditions:
Germ cell tumor of testis (TGCT). Also called: GERM CELL TUMOR, SOMATIC; Testicular germ cell tumor. Identifiers: Orphanet 363504, MedGen C1336708, MONDO:0010108, OMIM 273300.
Cutaneous mastocytosis. Also called: MASTOCYTOSIS, MACULOPAPULAR CUTANEOUS. Identifiers: Orphanet 66646, MedGen C1136033, MONDO:0019023, OMIM 154800, HP:0200151.
Acute myeloid leukemia (AML). Also called: Acute myeloid leukemia, adult; AML adult; Acute non-lymphocytic leukemia; Acute granulocytic leukemia; Leukemia, acute myelogenous, somatic; Leukemia, acute myeloid, somatic. Identifiers: Orphanet 519, MedGen C0023467, MeSH D015470, MONDO:0018874, OMIM 601626, HP:0004808. Disease mechanism: Constitutively activated FLT3.
Gastrointestinal stromal tumor. Also called: Gastrointestinal stroma tumor; Gastrointestinal stromal tumor, somatic. Identifiers: Orphanet 44890, MedGen C0238198, MeSH D046152, MONDO:0011719, OMIM 606764, HP:0100723.
Piebaldism. Also called: Piebald skin depigmentation. Identifiers: Orphanet 2884, MedGen C0080024, MONDO:0008244, OMIM 172800, HP:0007544.
Hereditary cancer-predisposing syndrome. Also called: Tumor predisposition; Hereditary Cancer Syndrome; Neoplastic Syndromes, Hereditary; Hereditary neoplastic syndrome. Identifiers: Orphanet 140162, MedGen C0027672, MeSH D009386, MONDO:0015356.

Allele frequency attached by ClinVar (database versions not stated): gnomAD exomes below 0.00001.
gnomAD v4.1: 5 of 1,606,872 alleles (0.00031%); highest among the groups gnomAD compares: Non-Finnish European, 0.00043%; no homozygotes.

Submissions (4):

Labcorp Genetics (formerly Invitae), Labcorp
Classification: Uncertain significance for Gastrointestinal stromal tumor. Last evaluated: 2026-01-26. Review status: criteria provided, single submitter. Criteria: Invitae Variant Classification Sherloc (09022015). Collection method: clinical testing. Allele origin: germline.
Comment: This sequence change replaces asparagine, which is neutral and polar, with serine, which is neutral and polar, at codon 370 of the KIT protein (p.Asn370Ser). This variant is not present in population databases (gnomAD no frequency). This variant has not been reported in the literature in individuals affected with KIT-related conditions. ClinVar contains an entry for this variant (Variation ID: 237233). An algorithm developed to predict the effect of missense changes on protein structure and function (PolyPhen-2) suggests that this variant is likely to be tolerated. In summary, the available evidence is currently insufficient to determine the role of this variant in disease. Therefore, it has been classified as a Variant of Uncertain Significance.

Ambry Genetics
Classification: Likely benign for Hereditary cancer-predisposing syndrome. Last evaluated: 2024-12-31. Review status: criteria provided, single submitter. Criteria: Ambry Variant Classification Scheme 2023. Collection method: clinical testing. Allele origin: germline.

Fulgent Genetics
Classification: Uncertain significance for Cutaneous mastocytosis; Piebaldism; Germ cell tumor of testis; Acute myeloid leukemia; Gastrointestinal stromal tumor. Last evaluated: 2024-01-24. Review status: criteria provided, single submitter. Criteria: ACMG Guidelines, 2015. Collection method: clinical testing. Allele origin: germline.

Baylor Genetics
Classification: Uncertain significance for Gastrointestinal stromal tumor. Last evaluated: 2023-12-14. Review status: criteria provided, single submitter. Criteria: ACMG Guidelines, 2015. Collection method: clinical testing. Allele origin: unknown.